The following is an entry in ClinVar:

ClinVar aggregate classification (germline): Uncertain significance. Review status: criteria provided, multiple submitters, no conflicts (2 of 4 stars). 2 submissions from 2 submitters: Uncertain significance (2). Last evaluated 2025-08-26.

Conditions:
Hereditary cancer-predisposing syndrome. Also called: Hereditary Cancer Syndrome; Hereditary neoplastic syndrome; Tumor predisposition; Neoplastic Syndromes, Hereditary. Identifiers: Orphanet 140162, MedGen C0027672, MeSH D009386, MONDO:0015356.

Submissions (2):

Ambry Genetics
Classification: Uncertain significance for Hereditary cancer-predisposing syndrome. Last evaluated: 2025-08-26. Review status: criteria provided, single submitter. Criteria: Ambry Variant Classification Scheme 2023. Collection method: clinical testing. Allele origin: germline.

Labcorp Genetics (formerly Invitae), Labcorp
Classification: Uncertain significance. Last evaluated: 2019-01-26. Review status: criteria provided, single submitter. Criteria: Invitae Variant Classification Sherloc (09022015). Collection method: clinical testing. Allele origin: germline.
Comment: This sequence change replaces proline with leucine at codon 1258 of the POLE protein (p.Pro1258Leu). The proline residue is highly conserved and there is a moderate physicochemical difference between proline and leucine. This variant is not present in population databases (ExAC no frequency). This variant has not been reported in the literature in individuals with POLE-related conditions. Algorithms developed to predict the effect of missense changes on protein structure and function are either unavailable or do not agree on the potential impact of this missense change (SIFT: "Deleterious"; PolyPhen-2: "Possibly Damaging"; Align-GVGD: "Class C0"). In summary, the available evidence is currently insufficient to determine the role of this variant in disease. Therefore, it has been classified as a Variant of Uncertain Significance.

NM_006231.4(POLE):c.3773C>T (p.Pro1258Leu)

Gene: POLE (DNA polymerase epsilon, catalytic subunit; minus strand). Cytogenetic location: 12q24.33.
Variant type: single nucleotide variant.
Coding change: c.3773C>T on transcript NM_006231.4 (MANE Select); coding-DNA position 3773, C replaced by T.
Protein change: p.Pro1258Leu; replaces proline 1258 with leucine.
Molecular consequence: missense variant.
Genome position (GRCh38, 1-based): chr12:132,649,699, G>A on the plus strand (C>T on the coding strand, the complement: POLE is on the minus strand). VCF-style: chr12-132649699-G-A. GRCh37 (hg19) VCF-style: chr12-133226285-G-A.
Other names: c.3773C>T (NM_006231.2); short protein forms P1258L.
Identifiers: ClinVar variation 840948 (VCV000840948.10), dbSNP rs2042375857, ClinGen allele CA387385984.
Genomic context (GRCh38, chr12:132,649,699, plus strand): 5'-CCCTCAGAGACAGACAGTATCACAGCTGTGTGCCTTACCTGGCTGGTTCCCAGGGCGGGA[G>A]GCTGCCCCAAGATTTCCTGCCAGGGCACAGTCGGCGTGAGGTCCTGGGACTCCTCCTGGC-3'
Protein context (NP_006222.2, residues 1248-1268): TVPWQEILGQ[Pro1258Leu]PALGTSQEEW